The following is an entry in ClinVar:

ClinVar aggregate classification (germline): Uncertain significance (1 of 4 stars; one submission).

Submission:

Dasa
Classification: Uncertain significance. Last evaluated: 2025-05-30. Review status: criteria provided, single submitter. Criteria: DASA Assertion Criteria. Collection method: clinical testing. Allele origin: germline.
Comment: NM_001267550.2(TTN):c.34948G>C (p.Glu11650Gln) is a missense variant that results in the substitution of glutamic acid with glutamine. This variant is absent from population databases. The currently available literature and clinical evidence are not sufficient to establish a definitive association between this variant and the reported condition. Therefore, this variant is classified as a variant of uncertain significance.

NM_001267550.2(TTN):c.34948G>C (p.Glu11650Gln)

Gene: TTN (titin; minus strand). Cytogenetic location: 2q31.2.
Variant type: single nucleotide variant.
Coding change: c.34948G>C on transcript NM_001267550.2 (MANE Select); coding-DNA position 34948, G replaced by C.
Protein change: p.Glu11650Gln; replaces glutamic acid 11650 with glutamine.
Molecular consequence: missense variant. On other transcripts: intron variant (3).
Genome position (GRCh38, 1-based): chr2:178,672,250, C>G on the plus strand (G>C on the coding strand, the complement: TTN is on the minus strand). VCF-style: chr2-178672250-C-G. GRCh37 (hg19) VCF-style: chr2-179536977-C-G.
Other names: c.33826G>C, p.Glu11276Gln (NM_001256850.1); c.31045G>C, p.Glu10349Gln (NM_133378.4); c.13283-29933G>C (NM_003319.4); c.13859-29933G>C (NM_133437.4); c.13658-29933G>C (NM_133432.3); short protein forms E10349Q, E11276Q, E11650Q.
Identifiers: ClinVar variation 4882056 (VCV004882056.2).